The following is an entry in ClinVar:

NM_000540.3(RYR1):c.14919G>A (p.Pro4973=)

Gene: RYR1 (ryanodine receptor 1; plus strand). Cytogenetic location: 19q13.2.
Variant type: single nucleotide variant.
Coding change: c.14919G>A on transcript NM_000540.3 (MANE Select); coding-DNA position 14919, G replaced by A.
Protein change: p.Pro4973=; no amino-acid change (proline 4973 retained).
Molecular consequence: synonymous variant.
Genome position (GRCh38, 1-based): chr19:38,586,141, G>A. VCF-style: chr19-38586141-G-A. GRCh37 (hg19) VCF-style: chr19-39076781-G-A.
Other names: c.14904G>A, p.Pro4968= (NM_001042723.2).
Identifiers: ClinVar variation 478203 (VCV000478203.16), dbSNP rs535386378, ClinGen allele CA061814.

ClinVar aggregate classification (germline): Benign/Likely benign. Review status: criteria provided, multiple submitters, no conflicts (2 of 4 stars). 4 submissions from 4 submitters: Benign (1); Likely benign (2). 1 of the submissions does not count toward it. Last evaluated 2025-12-01.

Conditions:
Malignant hyperthermia, susceptibility to, 1 (MHS1). Also called: RYR1-Related Malignant Hyperthermia Susceptibility; Anesthesia related hyperthermia; Malignant hyperpyrexia; Fulminating hyperpyrexia; Pharmacogenic myopathy; Malignant hyperthermia suceptibility 1. Identifiers: Orphanet 423, MedGen C2930980, MONDO:0007783, OMIM 145600.
RYR1-related disorder. Also called: RYR1-related disorders; RYR1-related condition. Identifiers: MedGen CN239331.

Allele frequency attached by ClinVar (database versions not stated): TOPMed 0.00002; gnomAD exomes 0.00016; ExAC 0.00017; 1000 Genomes Project 30x 0.00031; 1000 Genomes Project 0.00040.
gnomAD v4.1: 161 of 1,614,074 alleles (0.01%); highest among the groups gnomAD compares: South Asian, 0.12%; 1 homozygote.

Submissions (4):

Labcorp Genetics (formerly Invitae), Labcorp
Classification: Benign for RYR1-related disorder. Last evaluated: 2025-12-01. Review status: criteria provided, single submitter. Criteria: Invitae Variant Classification Sherloc (09022015). Collection method: clinical testing. Allele origin: germline.

Blueprint Genetics
Classification: Likely benign. Last evaluated: 2024-07-04. Review status: criteria provided, single submitter. Criteria: ACMG Guidelines, 2015. Collection method: clinical testing. Allele origin: germline.

Color Diagnostics, LLC DBA Color Health
Classification: Likely benign for Malignant hyperthermia, susceptibility to, 1. Last evaluated: 2022-11-06. Review status: criteria provided, single submitter. Criteria: ACMG Guidelines, 2015. Collection method: clinical testing. Allele origin: germline.

PreventionGenetics, part of Exact Sciences
Classification: Likely benign for RYR1-related condition. Last evaluated: 2019-04-01. Review status: no assertion criteria provided. Collection method: clinical testing. Allele origin: germline. Not counted in ClinVar's aggregate classification.
Comment: This variant is classified as likely benign based on ACMG/AMP sequence variant interpretation guidelines (Richards et al. 2015 PMID: 25741868, with internal and published modifications).